The following is an entry in ClinVar:

ClinVar aggregate classification (germline): Likely benign (1 of 4 stars; one submission).

Allele frequency attached by ClinVar (database versions not stated): 1000 Genomes Project 0.00140; 1000 Genomes Project 30x 0.00172; ESP Exome Variant Server 0.00284.
gnomAD v4.1: 574 of 1,613,436 alleles (0.036%); highest among the groups gnomAD compares: African/African-American, 0.56%; no homozygotes.

Submission:

CeGaT Center for Human Genetics Tuebingen
Classification: Likely benign. Last evaluated: 2022-07-01. Review status: criteria provided, single submitter. Criteria: CeGaT Center For Human Genetics Tuebingen Variant Classification Criteria Version 2. Collection method: clinical testing. Allele origin: germline. Affected: yes. Observed: 1 variant allele.
Comment: CLSTN2: BP4, BP7

NM_022131.3(CLSTN2):c.1839C>T (p.Asp613=)

Gene: CLSTN2 (calsyntenin 2; plus strand). Cytogenetic location: 3q23.
Variant type: single nucleotide variant.
Coding change: c.1839C>T on transcript NM_022131.3 (MANE Select); coding-DNA position 1839, C replaced by T.
Protein change: p.Asp613=; no amino-acid change (aspartic acid 613 retained).
Molecular consequence: synonymous variant.
Genome position (GRCh38, 1-based): chr3:140,558,655, C>T. VCF-style: chr3-140558655-C-T. GRCh37 (hg19) VCF-style: chr3-140277497-C-T.
Identifiers: ClinVar variation 2654195 (VCV002654195.24), dbSNP rs138834742, ClinGen allele CA2642844.
Genomic context (GRCh38, chr3:140,558,655, plus strand): 5'-TTAATTGTTTGCTCATCAGTGCCATGACCGAGAATGTTTTCCCAGGTGCTTTGGGGAAGA[C>T]GTATGCATCAGTATCCCTGAGGTAGATGCCTATGTGATGGTCCTCCAGGCCATCGAGCCC-3'
Protein context (NP_071414.2, residues 603-623): VSSKVQCFGE[Asp613=]VCISIPEVDA